The following is an entry in ClinVar:

ClinVar aggregate classification (germline): Uncertain significance (1 of 4 stars; one submission).

Conditions:
Arginase deficiency. Also called: ARGININEMIA; ARG1 DEFICIENCY; Arginase 1 Deficiency. Identifiers: Orphanet 90, MedGen C0268548, MONDO:0008814, OMIM 207800.

Allele frequency attached by ClinVar (database versions not stated): gnomAD exomes 0.00001; TOPMed below 0.00001; ExAC 0.00001; gnomAD 0.00001.
gnomAD v4.1: 22 of 1,613,816 alleles (0.0014%); highest among the groups gnomAD compares: South Asian, 0.0033%; no homozygotes.

Submission:

Labcorp Genetics (formerly Invitae), Labcorp
Classification: Uncertain significance for Arginase deficiency. Last evaluated: 2022-03-27. Review status: criteria provided, single submitter. Criteria: Invitae Variant Classification Sherloc (09022015). Collection method: clinical testing. Allele origin: germline.
Comment: This sequence change replaces isoleucine, which is neutral and non-polar, with threonine, which is neutral and polar, at codon 121 of the ARG1 protein (p.Ile121Thr). In summary, the available evidence is currently insufficient to determine the role of this variant in disease. Therefore, it has been classified as a Variant of Uncertain Significance. Algorithms developed to predict the effect of missense changes on protein structure and function (SIFT, PolyPhen-2, Align-GVGD) all suggest that this variant is likely to be disruptive. This variant has not been reported in the literature in individuals affected with ARG1-related conditions. This variant is present in population databases (rs746381302, gnomAD 0.003%).

NM_000045.4(ARG1):c.362T>C (p.Ile121Thr)

Genes: MED23 (mediator complex subunit 23; minus strand), ARG1 (arginase 1; plus strand). Cytogenetic location: 6q23.2.
Variant type: single nucleotide variant.
Coding change: c.362T>C on transcript NM_000045.4 (MANE Select); coding-DNA position 362, T replaced by C.
Protein change: p.Ile121Thr; replaces isoleucine 121 with threonine.
Molecular consequence: missense variant. On other transcripts: non-coding transcript variant (1), intron variant (3).
Genome position (GRCh38, 1-based): chr6:131,581,275, T>C. VCF-style: chr6-131581275-T-C. GRCh37 (hg19) VCF-style: chr6-131902415-T-C.
Other names: c.386T>C, p.Ile129Thr (NM_001244438.2); c.306-1785T>C (NM_001369020.1); c.4077+6434A>G (NM_001270521.2); c.4095+6434A>G (NM_015979.4); short protein forms I121T, I129T.
Identifiers: ClinVar variation 1901425 (VCV001901425.4), dbSNP rs746381302, ClinGen allele CA3999242.